The following is an entry in ClinVar:

NM_001040108.2(MLH3):c.2129T>C (p.Leu710Ser)

Gene: MLH3 (mutL homolog 3; minus strand). Cytogenetic location: 14q24.3.
Variant type: single nucleotide variant.
Coding change: c.2129T>C on transcript NM_001040108.2 (MANE Select); coding-DNA position 2129, T replaced by C.
Protein change: p.Leu710Ser; replaces leucine 710 with serine.
Molecular consequence: missense variant.
Genome position (GRCh38, 1-based): chr14:75,047,527, A>G on the plus strand (T>C on the coding strand, the complement: MLH3 is on the minus strand). VCF-style: chr14-75047527-A-G. GRCh37 (hg19) VCF-style: chr14-75514230-A-G.
Other names: c.2129T>C, p.Leu710Ser (NM_014381.3); short protein forms L710S.
Identifiers: ClinVar variation 863174 (VCV000863174.10), dbSNP rs1238847805, ClinGen allele CA390441603.

ClinVar aggregate classification (germline): Uncertain significance. Review status: criteria provided, multiple submitters, no conflicts (2 of 4 stars). 2 submissions from 2 submitters: Uncertain significance (2). Last evaluated 2023-10-22.

Conditions:
Colorectal cancer, hereditary nonpolyposis, type 7. Identifiers: Orphanet 144, MedGen C1858380, MONDO:0013725, OMIM 614385.
MLH3-related disorder. Also called: MLH3-related condition.

Allele frequency attached by ClinVar (database versions not stated): gnomAD exomes below 0.00001; TOPMed below 0.00001; gnomAD 0.00001.
gnomAD v4.1: 3 of 1,613,942 alleles (0.00019%); highest among the groups gnomAD compares: African/African-American, 0.004%; no homozygotes.

Submissions (2):

Labcorp Genetics (formerly Invitae), Labcorp
Classification: Uncertain significance for Colorectal cancer, hereditary nonpolyposis, type 7. Last evaluated: 2023-10-22. Review status: criteria provided, single submitter. Criteria: Invitae Variant Classification Sherloc (09022015). Collection method: clinical testing. Allele origin: germline.
Comment: This sequence change replaces leucine, which is neutral and non-polar, with serine, which is neutral and polar, at codon 710 of the MLH3 protein (p.Leu710Ser). This variant is not present in population databases (gnomAD no frequency). This variant has not been reported in the literature in individuals affected with MLH3-related conditions. ClinVar contains an entry for this variant (Variation ID: 863174). Algorithms developed to predict the effect of missense changes on protein structure and function output the following: SIFT: "Not Available"; PolyPhen-2: "Benign"; Align-GVGD: "Not Available". The serine amino acid residue is found in multiple mammalian species, which suggests that this missense change does not adversely affect protein function. In summary, the available evidence is currently insufficient to determine the role of this variant in disease. Therefore, it has been classified as a Variant of Uncertain Significance.

PreventionGenetics, part of Exact Sciences
Classification: Uncertain significance for MLH3-related condition. Last evaluated: 2022-09-06. Review status: criteria provided, single submitter. Criteria: ACMG Guidelines, 2015. Collection method: clinical testing. Allele origin: germline.
Comment: The MLH3 c.2129T>C variant is predicted to result in the amino acid substitution p.Leu710Ser. To our knowledge, this variant has not been reported in the literature or in a large population database, indicating this variant is rare. At this time, the clinical significance of this variant is uncertain due to the absence of conclusive functional and genetic evidence.